The following is an entry in ClinVar:

ClinVar aggregate classification (germline): Benign/Likely benign. Review status: criteria provided, multiple submitters, no conflicts (2 of 4 stars). 2 submissions from 2 submitters: Benign (1); Likely benign (1). Last evaluated 2023-03-01.

Allele frequency attached by ClinVar (database versions not stated): ESP Exome Variant Server 0.00064; gnomAD 0.00073 and 0.00075; TOPMed 0.00079; ExAC 0.00104; gnomAD exomes 0.00125; 1000 Genomes Project 0.00140; 1000 Genomes Project 30x 0.00156.
gnomAD v4.1: 1,155 of 1,591,650 alleles (0.073%); highest among the groups gnomAD compares: Middle Eastern, 1.4%; 8 homozygotes.

Submissions (2):

CeGaT Center for Human Genetics Tuebingen
Classification: Likely benign. Last evaluated: 2023-03-01. Review status: criteria provided, single submitter. Criteria: CeGaT Center For Human Genetics Tuebingen Variant Classification Criteria Version 2. Collection method: clinical testing. Allele origin: germline. Affected: yes. Observed: 1 variant allele.
Comment: TNS3: BP4, BP7

Labcorp Genetics (formerly Invitae), Labcorp
Classification: Benign. Last evaluated: 2019-12-31. Review status: criteria provided, single submitter. Criteria: Invitae Variant Classification Sherloc (09022015). Collection method: clinical testing. Allele origin: germline.

NM_022748.12(TNS3):c.2034C>T (p.Ala678=)

Gene: TNS3 (tensin 3; minus strand). Cytogenetic location: 7p12.3.
Variant type: single nucleotide variant.
Coding change: c.2034C>T on transcript NM_022748.12 (MANE Select); coding-DNA position 2034, C replaced by T.
Protein change: p.Ala678=; no amino-acid change (alanine 678 retained).
Molecular consequence: synonymous variant.
Genome position (GRCh38, 1-based): chr7:47,368,612, G>A on the plus strand (C>T on the coding strand, the complement: TNS3 is on the minus strand). VCF-style: chr7-47368612-G-A. GRCh37 (hg19) VCF-style: chr7-47408209-G-A.
Identifiers: ClinVar variation 741607 (VCV000741607.28), dbSNP rs142175160, ClinGen allele CA4250754.